The following is an entry in ClinVar:

NM_001845.6(COL4A1):c.3917A>T (p.Asp1306Val)

Gene: COL4A1 (collagen type IV alpha 1 chain; minus strand). Cytogenetic location: 13q34.
Variant type: single nucleotide variant.
Coding change: c.3917A>T on transcript NM_001845.6 (MANE Select); coding-DNA position 3917, A replaced by T.
Protein change: p.Asp1306Val; replaces aspartic acid 1306 with valine.
Molecular consequence: missense variant.
Genome position (GRCh38, 1-based): chr13:110,167,190, T>A on the plus strand (A>T on the coding strand, the complement: COL4A1 is on the minus strand). VCF-style: chr13-110167190-T-A. GRCh37 (hg19) VCF-style: chr13-110819537-T-A.
Other names: c.3917A>T (NM_001845.5); short protein forms D1306V.
Identifiers: ClinVar variation 432696 (VCV000432696.11), dbSNP rs1024592088, ClinGen allele CA256249290.

ClinVar aggregate classification (germline): Uncertain significance. Review status: criteria provided, multiple submitters, no conflicts (2 of 4 stars). 4 submissions from 4 submitters: Uncertain significance (4). Last evaluated 2025-05-07.

Conditions:
COL4A1-related disorder. Also called: COL4A1-related disorders; COL4A1-related condition. Identifiers: MedGen CN376119, MONDO:0800461.

Allele frequency attached by ClinVar (database versions not stated): gnomAD exomes below 0.00001; gnomAD 0.00001; TOPMed 0.00002.
gnomAD v4.1: 3 of 1,613,916 alleles (0.00019%); highest among the groups gnomAD compares: Non-Finnish European, 0.00017%; no homozygotes.

Submissions (4):

PreventionGenetics, part of Exact Sciences
Classification: Uncertain significance for COL4A1-related condition. Last evaluated: 2025-05-07. Review status: criteria provided, single submitter. Criteria: ACMG Guidelines, 2015. Collection method: clinical testing. Allele origin: germline.
Comment: The COL4A1 c.3917A>T variant is predicted to result in the amino acid substitution p.Asp1306Val. To our knowledge, this variant has not been reported in the literature or in a large population database (gnomAD), indicating this variant is rare. At this time, the clinical significance of this variant is uncertain due to the absence of conclusive functional and genetic evidence.

Labcorp Genetics (formerly Invitae), Labcorp
Classification: Uncertain significance. Last evaluated: 2025-04-28. Review status: criteria provided, single submitter. Criteria: Invitae Variant Classification Sherloc (09022015). Collection method: clinical testing. Allele origin: germline.
Comment: This sequence change replaces aspartic acid, which is acidic and polar, with valine, which is neutral and non-polar, at codon 1306 of the COL4A1 protein (p.Asp1306Val). This variant is not present in population databases (gnomAD no frequency). This missense change has been observed in individual(s) with clinical features of COL4A1-related conditions (internal data). It has also been observed to segregate with disease in related individuals. ClinVar contains an entry for this variant (Variation ID: 432696). Invitae Evidence Modeling of protein sequence and biophysical properties (such as structural, functional, and spatial information, amino acid conservation, physicochemical variation, residue mobility, and thermodynamic stability) indicates that this missense variant is not expected to disrupt COL4A1 protein function with a negative predictive value of 95%. In summary, the available evidence is currently insufficient to determine the role of this variant in disease. Therefore, it has been classified as a Variant of Uncertain Significance.

Revvity Omics, Revvity
Classification: Uncertain significance. Last evaluated: 2024-04-23. Review status: criteria provided, single submitter. Criteria: ACMG Guidelines, 2015. Collection method: clinical testing. Allele origin: germline.

GeneDx
Classification: Uncertain significance. Last evaluated: 2017-06-14. Review status: criteria provided, single submitter. Criteria: GeneDx Variant Classification (06012015). Collection method: clinical testing. Allele origin: germline. Affected: yes.
Comment: The D1306V variant in the COL4A1 gene has not been reported previously as a pathogenic variant, nor as a benign variant, to our knowledge. The D1306V variant is not observed in large population cohorts (Lek et al., 2016; 1000 Genomes Consortium et al., 2015; Exome Variant Server). The D1306V variant is a non-conservative amino acid substitution, which is likely to impact secondary protein structure as these residues differ in polarity, charge, size and/or other properties. This substitution occurs at a position where amino acids with similar properties to Aspartic acid are tolerated across species. In silico analysis predicts this variant is probably damaging to the protein structure/function. We interpret D1306V as a variant of uncertain significance.